The following is an entry in ClinVar:

ClinVar aggregate classification (germline): Uncertain significance. Review status: criteria provided, multiple submitters, no conflicts (2 of 4 stars). 2 submissions from 2 submitters: Uncertain significance (2). Last evaluated 2022-11-08.

Allele frequency attached by ClinVar (database versions not stated): gnomAD 0.00001; gnomAD exomes 0.00002 and 0.00003; TOPMed 0.00002; ESP Exome Variant Server 0.00008; ExAC 0.00023.
gnomAD v4.1: 35 of 1,584,208 alleles (0.0022%); highest among the groups gnomAD compares: Non-Finnish European, 0.0029%; no homozygotes.

Submissions (2):

Labcorp Genetics (formerly Invitae), Labcorp
Classification: Uncertain significance. Last evaluated: 2022-11-08. Review status: criteria provided, single submitter. Criteria: Invitae Variant Classification Sherloc (09022015). Collection method: clinical testing. Allele origin: germline.
Comment: This variant has not been reported in the literature in individuals affected with MCM3AP-related conditions. This variant is present in population databases (rs142441939, gnomAD 0.007%). This sequence change replaces isoleucine, which is neutral and non-polar, with threonine, which is neutral and polar, at codon 1287 of the MCM3AP protein (p.Ile1287Thr). ClinVar contains an entry for this variant (Variation ID: 1510393). In summary, the available evidence is currently insufficient to determine the role of this variant in disease. Therefore, it has been classified as a Variant of Uncertain Significance. Algorithms developed to predict the effect of missense changes on protein structure and function are either unavailable or do not agree on the potential impact of this missense change (SIFT: "Tolerated"; PolyPhen-2: "Probably Damaging"; Align-GVGD: "Class C0").

Blueprint Genetics
Classification: Uncertain significance. Last evaluated: 2018-09-28. Review status: criteria provided, single submitter. Criteria: ACMG Guidelines, 2015. Collection method: clinical testing. Allele origin: germline.

NM_003906.5(MCM3AP):c.3860T>C (p.Ile1287Thr)

Gene: MCM3AP (minichromosome maintenance complex component 3 associated protein; minus strand). Cytogenetic location: 21q22.3.
Variant type: single nucleotide variant.
Coding change: c.3860T>C on transcript NM_003906.5 (MANE Select); coding-DNA position 3860, T replaced by C.
Protein change: p.Ile1287Thr; replaces isoleucine 1287 with threonine.
Molecular consequence: missense variant.
Genome position (GRCh38, 1-based): chr21:46,256,861, A>G on the plus strand (T>C on the coding strand, the complement: MCM3AP is on the minus strand). VCF-style: chr21-46256861-A-G. GRCh37 (hg19) VCF-style: chr21-47676775-A-G.
Other names: short protein forms I1287T.
Identifiers: ClinVar variation 1510393 (VCV001510393.7), dbSNP rs142441939, ClinGen allele CA10076341.